The following is an entry in ClinVar:

ClinVar aggregate classification (germline): Likely pathogenic. Review status: criteria provided, multiple submitters, no conflicts (2 of 4 stars). 2 submissions from 2 submitters: Likely pathogenic (2). Last evaluated 2026-08-20.

Conditions:
Treacher Collins syndrome 1 (TCS1). Also called: TCOF1-Related Treacher Collins Syndrome. Identifiers: Orphanet 861, MedGen CN315775, MONDO:0007944, OMIM 154500.
TCOF1-related disorder. Also called: TCOF1-related condition.

Submissions (2):

PreventionGenetics, part of Exact Sciences
Classification: Likely pathogenic for TCOF1-related condition. Last evaluated: 2026-08-20. Review status: criteria provided, single submitter. Criteria: ACMG Guidelines, 2015. Collection method: clinical testing. Allele origin: germline.
Comment: The TCOF1 c.4223_4224delTT variant is predicted to result in a frameshift and premature protein termination (p.Leu1408Argfs*21). To our knowledge, this variant has not been reported in the literature or in a large population database (gnomAD), indicating this variant is rare. Frameshift variants in TCOF1 are expected to be pathogenic. This variant is interpreted as likely pathogenic.

Juno Genomics, Hangzhou Juno Genomics, Inc
Classification: Likely pathogenic for Treacher Collins syndrome 1. Review status: criteria provided, single submitter. Criteria: ACMG Guidelines, 2015. Collection method: clinical testing. Allele origin: germline.
Comment: Null variant in a gene where loss of function (LOF) is a known mechanism of disease.;Absent from controls (or at extremely low frequency if recessive) in Genome Aggregation Database.

NM_001371623.1(TCOF1):c.4226_4227del (p.Leu1409fs)

Gene: TCOF1 (treacle ribosome biogenesis factor 1; plus strand). Cytogenetic location: 5q32.
Variant type: Deletion.
Coding change: c.4226_4227del on transcript NM_001371623.1 (MANE Select); coding-DNA positions 4226 to 4227, 2 bases deleted (TT; older notation c.4226_4227delTT).
Protein change: p.Leu1409fs; shifts the reading frame from leucine 1409.
Molecular consequence: frameshift variant.
Genome position (GRCh38, 1-based): chr5:150,396,723-150,396,724, TT deleted. VCF-style (leftmost placement, unchanged base first): chr5-150396722-CTT-C. GRCh37 (hg19) VCF-style: chr5-149776285-CTT-C.
Other names: c.3992_3993del, p.Leu1331fs (NM_000356.4, NM_001437406.1); c.4223_4224del, p.Leu1408fs (NM_001135243.2); c.4112_4113del, p.Leu1371fs (NM_001135244.2); c.3995_3996del, p.Leu1332fs (NM_001135245.2); c.4109_4110del, p.Leu1370fs (NM_001195141.2); short protein forms L1331fs, L1332fs, L1408fs, L1370fs, L1371fs, L1409fs.
Identifiers: ClinVar variation 4993118 (VCV004993118.2).
Genomic context (GRCh38, chr5:150,396,722, plus strand): 5'-GGGAAAGCAAAGAGAGACAAAGCAAGTGGTGATGTCAAGGAGAAGAAAGGGAAGGGGTCT[CTT>C]GGCTCCCAAGGGGCCAAGGACGAGCCAGAAGAGGAGCTTCAGAAGGGGATGGGGACGGTT-3'